The following is an entry in ClinVar:

ClinVar aggregate classification (germline): Pathogenic/Likely pathogenic. Review status: criteria provided, multiple submitters, no conflicts (2 of 4 stars). 3 submissions from 3 submitters: Pathogenic (2); Likely pathogenic (1). Last evaluated 2025-05-29.

Conditions:
Hereditary cancer-predisposing syndrome. Also called: Hereditary Cancer Syndrome; Neoplastic Syndromes, Hereditary; Tumor predisposition; Hereditary neoplastic syndrome. Identifiers: Orphanet 140162, MedGen C0027672, MeSH D009386, MONDO:0015356.
Ataxia-telangiectasia syndrome (AT). Also called: Ataxia telangiectasia (A-T); Ataxia-telangiectasia, complementation group E; LOUIS-BAR SYNDROME; Cerebello-oculocutaneous telangiectasia; Immunodeficiency with ataxia telangiectasia; Ataxia-telangiectasia, complementation group D. Identifiers: Orphanet 100, MedGen C0004135, MONDO:0008840, OMIM 208900.

Submissions (3):

Ambry Genetics
Classification: Pathogenic for Hereditary cancer-predisposing syndrome. Last evaluated: 2025-05-29. Review status: criteria provided, single submitter. Criteria: Ambry Variant Classification Scheme 2023. Collection method: clinical testing. Allele origin: germline.
Comment: The c.119_122delTTAA pathogenic mutation, located in coding exon 2 of the ATM gene, results from a deletion of 4 nucleotides at nucleotide positions 119 to 122, causing a translational frameshift with a predicted alternate stop codon (p.I40Nfs*3). This mutation has been detected in an ataxia-telangiectasia family (Cavaciuti E et al, Genes Chromosomes Cancer 2005 Jan; 42(1):1-9). This variant is considered to be rare based on population cohorts in the Genome Aggregation Database (gnomAD). In addition to the clinical data presented in the literature, this alteration is expected to result in loss of function by premature protein truncation or nonsense-mediated mRNA decay. As such, this alteration is interpreted as a disease-causing mutation.

Labcorp Genetics (formerly Invitae), Labcorp
Classification: Pathogenic for Ataxia-telangiectasia syndrome. Last evaluated: 2024-06-28. Review status: criteria provided, single submitter. Criteria: Invitae Variant Classification Sherloc (09022015). Collection method: clinical testing. Allele origin: germline.
Comment: This sequence change creates a premature translational stop signal (p.Ile40Asnfs*3) in the ATM gene. It is expected to result in an absent or disrupted protein product. Loss-of-function variants in ATM are known to be pathogenic (PMID: 23807571, 25614872). This variant is not present in population databases (gnomAD no frequency). This premature translational stop signal has been observed in individual(s) with ataxia-telangiectasia (PMID: 15390180). This variant is also known as 118 del4 (Ter42). ClinVar contains an entry for this variant (Variation ID: 231366). For these reasons, this variant has been classified as Pathogenic.

GeneDx
Classification: Likely pathogenic. Last evaluated: 2016-05-26. Review status: criteria provided, single submitter. Criteria: GeneDx Variant Classification (06012015). Collection method: clinical testing. Allele origin: germline. Affected: yes.
Comment: The c.119_122delTTAA variant in the ATM gene, denoted as c.118del4 due to alternative nomenclature, has been reported previously in a single family with a child reported to have ataxia-telangiectasia; however, it is unknown if the affected individual had a second pathogenic variant and no further evidence was provided to indicate the pathogenicity of this variant (Cavaciuti et al., 2005). The c.119_122delTTAA variant causes a frameshift starting with codon Isoleucine 40, changes this amino acid to a Asparagine residue, and creates a premature Stop codon at position 3 of the new reading frame, denoted p.Ile40AsnfsX3. This variant is predicted to cause loss of normal protein function either through protein truncation or nonsense-mediated mRNA decay. The c.119_122delTTAA variant was not observed in approximately 6,500 individuals of European and African American ancestry in the NHLBI Exome Sequencing Project, indicating it is not a common benign variant in these populations. The c.119_122delTTAA variant is a strong candidate for a pathogenic variant; however, the possibility it may be a rare benign variant cannot be excluded.

Literature cited by the submitters: PubMed 15390180 (cited by Ambry Genetics and Labcorp Genetics (formerly Invitae), Labcorp); PubMed 23807571 (cited by Labcorp Genetics (formerly Invitae), Labcorp); PubMed 25614872 (cited by Labcorp Genetics (formerly Invitae), Labcorp).

NM_000051.4(ATM):c.119_122del (p.Ile40fs)

Gene: ATM (ATM serine/threonine kinase; plus strand). Cytogenetic location: 11q22.3.
Variant type: Deletion.
Coding change: c.119_122del on transcript NM_000051.4 (MANE Select); coding-DNA positions 119 to 122, 4 bases deleted (TTAA; older notation c.119_122delTTAA).
Protein change: p.Ile40fs; shifts the reading frame from isoleucine 40.
Molecular consequence: frameshift variant.
Genome position (GRCh38, 1-based): chr11:108,227,822-108,227,825, TTAA deleted; deleting any 4 consecutive bases within chr11:108,227,820-108,227,825 gives the same sequence; the c. name uses the placement nearest the transcript's 3' end. VCF-style (leftmost placement, unchanged base first): chr11-108227819-CAATT-C. GRCh37 (hg19) VCF-style: chr11-108098546-CAATT-C.
Other names: c.119_122delTTAA (NM_000051.3); c.119_122del, p.Ile40fs (NM_001351834.2, NM_001351835.2, NM_001351836.2); short protein forms I40fs.
Identifiers: ClinVar variation 231366 (VCV000231366.9), dbSNP rs876659116, ClinGen allele CA10578943.
Genomic context (GRCh38, chr11:108,227,819, plus strand): 5'-TTCCTTTTTATTTTCAGAAAGAAGTTGAGAAATTTAAGCGCCTGATTCGAGATCCTGAAA[CAATT>C]AAACATCTAGATCGGCATTCAGATTCCAAACAAGGAAAATATTTGAATTGGGATGCTGTT-3'